The following is an entry in ClinVar:

ClinVar aggregate classification (germline): Uncertain significance (1 of 4 stars; one submission).

Submission:

Labcorp Genetics (formerly Invitae), Labcorp
Classification: Uncertain significance. Last evaluated: 2022-04-26. Review status: criteria provided, single submitter. Criteria: Invitae Variant Classification Sherloc (09022015). Collection method: clinical testing. Allele origin: germline.
Comment: This variant is a gross deletion of the genomic region encompassing exon(s) 5-10 of the PDE6A gene. This variant would be expected to be in-frame, preserving the integrity of the reading frame. This variant has not been reported in the literature in individuals affected with PDE6A-related conditions. Experimental studies and prediction algorithms are not available or were not evaluated, and the functional significance of this variant is currently unknown. In summary, the available evidence is currently insufficient to determine the role of this variant in disease. Therefore, it has been classified as a Variant of Uncertain Significance.

NC_000005.9:g.(?_149277906)_(149301292_?)del

Gene: PDE6A (phosphodiesterase 6A; minus strand). Cytogenetic location: 5q32.
Variant type: Deletion.
Identifiers: ClinVar variation 1486302 (VCV001486302.7).